The following is an entry in ClinVar:

ClinVar aggregate classification (germline): Uncertain significance. Review status: criteria provided, multiple submitters, no conflicts (2 of 4 stars). 3 submissions from 3 submitters: Uncertain significance (3). Last evaluated 2025-05-19.

Conditions:
Early Myoclonic Encephalopathy. Identifiers: MedGen C0270855.

Allele frequency attached by ClinVar (database versions not stated): TOPMed below 0.00001; ExAC 0.00001; gnomAD exomes 0.00001 and 0.00003.
gnomAD v4.1: 47 of 1,613,950 alleles (0.0029%); highest among the groups gnomAD compares: Non-Finnish European, 0.004%; no homozygotes.

Submissions (3):

Labcorp Genetics (formerly Invitae), Labcorp
Classification: Uncertain significance for Early Myoclonic Encephalopathy. Last evaluated: 2025-05-19. Review status: criteria provided, single submitter. Criteria: Invitae Variant Classification Sherloc (09022015). Collection method: clinical testing. Allele origin: germline.
Comment: This sequence change replaces alanine, which is neutral and non-polar, with serine, which is neutral and polar, at codon 1337 of the JMJD1C protein (p.Ala1337Ser). This variant is present in population databases (rs757261672, gnomAD 0.002%). This variant has not been reported in the literature in individuals affected with JMJD1C-related conditions. ClinVar contains an entry for this variant (Variation ID: 934965). Invitae Evidence Modeling of protein sequence and biophysical properties (such as structural, functional, and spatial information, amino acid conservation, physicochemical variation, residue mobility, and thermodynamic stability) indicates that this missense variant is not expected to disrupt JMJD1C protein function with a negative predictive value of 80%. In summary, the available evidence is currently insufficient to determine the role of this variant in disease. Therefore, it has been classified as a Variant of Uncertain Significance.

Ambry Genetics
Classification: Uncertain significance. Last evaluated: 2024-12-31. Review status: criteria provided, single submitter. Criteria: Ambry Variant Classification Scheme 2023. Collection method: clinical testing. Allele origin: germline.

CeGaT Center for Human Genetics Tuebingen
Classification: Uncertain significance. Last evaluated: 2022-07-01. Review status: criteria provided, single submitter. Criteria: CeGaT Center For Human Genetics Tuebingen Variant Classification Criteria Version 2. Collection method: clinical testing. Allele origin: germline. Affected: yes. Observed: 1 variant allele.
Comment: JMJD1C: PM2, BP4

NM_032776.3(JMJD1C):c.4009G>T (p.Ala1337Ser)

Gene: JMJD1C (jumonji domain containing 1C; minus strand). Cytogenetic location: 10q21.3.
Variant type: single nucleotide variant.
Coding change: c.4009G>T on transcript NM_032776.3 (MANE Select); coding-DNA position 4009, G replaced by T.
Protein change: p.Ala1337Ser; replaces alanine 1337 with serine.
Molecular consequence: missense variant. On other transcripts: non-coding transcript variant (1).
Genome position (GRCh38, 1-based): chr10:63,207,660, C>A on the plus strand (G>T on the coding strand, the complement: JMJD1C is on the minus strand). VCF-style: chr10-63207660-C-A. GRCh37 (hg19) VCF-style: chr10-64967420-C-A.
Other names: c.3463G>T, p.Ala1155Ser (NM_001282948.2, NM_001318154.2); c.3145G>T, p.Ala1049Ser (NM_001318153.2); c.3895G>T, p.Ala1299Ser (NM_001322252.2); c.3352G>T, p.Ala1118Ser (NM_001322254.2, NM_001322258.2); c.4009G>T (NM_032776.1); short protein forms A1049S, A1118S, A1299S, A1155S, A1337S.
Identifiers: ClinVar variation 934965 (VCV000934965.32), dbSNP rs757261672, ClinGen allele CA5518346.